The following is an entry in ClinVar:

NM_001035.3(RYR2):c.6523A>G (p.Met2175Val)

Gene: RYR2 (ryanodine receptor 2; plus strand). Cytogenetic location: 1q43.
Variant type: single nucleotide variant.
Coding change: c.6523A>G on transcript NM_001035.3 (MANE Select); coding-DNA position 6523, A replaced by G.
Protein change: p.Met2175Val; replaces methionine 2175 with valine.
Molecular consequence: missense variant.
Genome position (GRCh38, 1-based): chr1:237,631,509, A>G. VCF-style: chr1-237631509-A-G. GRCh37 (hg19) VCF-style: chr1-237794809-A-G.
Other names: p.M2175V:ATG>GTG; c.6523A>G, p.Met2175Val (LRG_402t1); short protein forms M2175V.
Identifiers: ClinVar variation 201384 (VCV000201384.4), dbSNP rs794728820, ClinGen allele CA010196.

ClinVar aggregate classification (germline): Uncertain significance. Review status: criteria provided, multiple submitters, no conflicts (2 of 4 stars). 2 submissions from 2 submitters: Uncertain significance (2). Last evaluated 2025-08-19.

Conditions:
Catecholaminergic polymorphic ventricular tachycardia 1. Also called: RYR2-Related Catecholaminergic Polymorphic Ventricular Tachycardia; VENTRICULAR TACHYCARDIA, CATECHOLAMINERGIC POLYMORPHIC, 1, WITH OR WITHOUT ATRIAL DYSFUNCTION AND/OR DILATED CARDIOMYOPATHY; VENTRICULAR TACHYCARDIA, STRESS-INDUCED POLYMORPHIC 1. Identifiers: Orphanet 3286, MedGen C1631597, MONDO:0011484, OMIM 604772.

Submissions (2):

Labcorp Genetics (formerly Invitae), Labcorp
Classification: Uncertain significance for Catecholaminergic polymorphic ventricular tachycardia 1. Last evaluated: 2025-08-19. Review status: criteria provided, single submitter. Criteria: Invitae Variant Classification Sherloc (09022015). Collection method: clinical testing. Allele origin: germline.
Comment: This sequence change replaces methionine, which is neutral and non-polar, with valine, which is neutral and non-polar, at codon 2175 of the RYR2 protein (p.Met2175Val). This variant is not present in population databases (gnomAD no frequency). This variant has not been reported in the literature in individuals affected with RYR2-related conditions. ClinVar contains an entry for this variant (Variation ID: 201384). Invitae Evidence Modeling of protein sequence and biophysical properties (such as structural, functional, and spatial information, amino acid conservation, physicochemical variation, residue mobility, and thermodynamic stability) indicates that this missense variant is expected to disrupt RYR2 protein function with a positive predictive value of 95%. In summary, the available evidence is currently insufficient to determine the role of this variant in disease. Therefore, it has been classified as a Variant of Uncertain Significance.

GeneDx
Classification: Uncertain significance. Last evaluated: 2018-02-07. Review status: criteria provided, single submitter. Criteria: GeneDx Variant Classification (06012015). Collection method: clinical testing. Allele origin: germline. Affected: yes.
Comment: This variant is denoted c.6523 A>G at the cDNA level or p.Met2175Val (M2175V) at the protein level. The Met2175Val variant in the RYR2 gene has not been reported previously as a disease-causing mutation or as a benign polymorphism, to our knowledge. Met2175Val results in a conservative amino acid substitution of one non-polar amino acid for another. Although the Met2175 residue is conserved across species, it is not located in a mutation hot spot region of the RYR2 gene. In silico analysis predicts Met2175Val to be possibly damaging to protein structure or function (Adzhubei et al. 2010; Kumar et al. 2009; Schwarz et al. 2011). The NHLBI ESP Exome Variant Server reports Met2175Val was not observed in approximately 5,000 samples from individual of European and African American backgrounds, indicating it is not a common benign variant in these populations. In summary, with the clinical and molecular information available at this time, we cannot determine if the Met2175Val variant is a disease-causing mutation or a benign variant. The variant is found in CPVT panel(s).